The following is an entry in ClinVar:

NM_004444.5(EPHB4):c.1898G>A (p.Arg633Gln)

Gene: EPHB4 (EPH receptor B4; minus strand). Cytogenetic location: 7q22.1.
Variant type: single nucleotide variant.
Coding change: c.1898G>A on transcript NM_004444.5 (MANE Select); coding-DNA position 1898, G replaced by A.
Protein change: p.Arg633Gln; replaces arginine 633 with glutamine.
Molecular consequence: missense variant.
Genome position (GRCh38, 1-based): chr7:100,812,967, C>T on the plus strand (G>A on the coding strand, the complement: EPHB4 is on the minus strand). VCF-style: chr7-100812967-C-T. GRCh37 (hg19) VCF-style: chr7-100410589-C-T.
Other names: short protein forms R633Q.
Identifiers: ClinVar variation 2450414 (VCV002450414.4), dbSNP rs557834060, ClinGen allele CA4392776.
Genomic context (GRCh38, chr7:100,812,967, plus strand): 5'-TAGCCACCCTTCAGGGTCTTGATTGCCACACAGCTCTCCTTCTTCCCTGGGGCCTTGAGC[C>T]GCCCCCGGCACACCTCGCCAAACTCACCTTCAAACAAGGACGCAGAGGTCATCAGCTCTC-3'
Protein context (NP_004435.3, residues 623-643): AGEFGEVCRG[Arg633Gln]LKAPGKKESC

ClinVar aggregate classification (germline): Conflicting classifications of pathogenicity. Review status: criteria provided, conflicting classifications (1 of 4 stars). 3 submissions from 3 submitters: Uncertain significance (1); Likely benign (2). Last evaluated 2025-05-19.

Conditions:
Cardiovascular phenotype. Identifiers: MedGen CN230736.

Allele frequency attached by ClinVar (database versions not stated): ExAC 0.00001; gnomAD 0.00002; TOPMed 0.00002.
gnomAD v4.1: 30 of 1,613,814 alleles (0.0019%); highest among the groups gnomAD compares: Non-Finnish European, 0.0025%; no homozygotes.

Submissions (3):

Labcorp Genetics (formerly Invitae), Labcorp
Classification: Uncertain significance. Last evaluated: 2025-05-19. Review status: criteria provided, single submitter. Criteria: Invitae Variant Classification Sherloc (09022015). Collection method: clinical testing. Allele origin: germline.
Comment: This sequence change replaces arginine, which is basic and polar, with glutamine, which is neutral and polar, at codon 633 of the EPHB4 protein (p.Arg633Gln). This variant is present in population databases (rs557834060, gnomAD 0.005%). This variant has not been reported in the literature in individuals affected with EPHB4-related conditions. ClinVar contains an entry for this variant (Variation ID: 2450414). Invitae Evidence Modeling of protein sequence and biophysical properties (such as structural, functional, and spatial information, amino acid conservation, physicochemical variation, residue mobility, and thermodynamic stability) indicates that this missense variant is not expected to disrupt EPHB4 protein function with a negative predictive value of 95%. In summary, the available evidence is currently insufficient to determine the role of this variant in disease. Therefore, it has been classified as a Variant of Uncertain Significance.

Blueprint Genetics
Classification: Likely benign. Last evaluated: 2024-03-02. Review status: criteria provided, single submitter. Criteria: ACMG Guidelines, 2015. Collection method: clinical testing. Allele origin: germline.

Ambry Genetics
Classification: Likely benign for Cardiovascular phenotype. Last evaluated: 2023-02-27. Review status: criteria provided, single submitter. Criteria: Ambry Variant Classification Scheme 2023. Collection method: clinical testing. Allele origin: germline.